The following is an entry in ClinVar:

NM_000135.4(FANCA):c.2602-7_2603del

Genes: FANCA (FA complementation group A; minus strand), LOC130059837 (ATAC-STARR-seq lymphoblastoid active region 11420; plus strand). Cytogenetic location: 16q24.3.
Variant type: Deletion.
Coding change: c.2602-7_2603del on transcript NM_000135.4 (MANE Select); 7 bases into the intron before coding-DNA position 2602 through coding-DNA position 2603, 9 bases deleted (GTTTCAGTT; older notation c.2602-7_2603delGTTTCAGTT).
Molecular consequence: splice acceptor variant.
Genome position (GRCh38, 1-based): chr16:89,765,065-89,765,073, AACTGAAAC deleted on the plus strand (GTTTCAGTT on the coding strand, the reverse complement: FANCA is on the minus strand); deleting any 9 consecutive bases within chr16:89,765,065-89,765,074 gives the same sequence; the c. name uses the placement nearest the transcript's 3' end. VCF-style (leftmost placement, unchanged base first): chr16-89765064-AAACTGAAAC-A. GRCh37 (hg19) VCF-style: chr16-89831472-AAACTGAAAC-A.
Other names: c.2602-7_2603del (NM_001286167.3).
Identifiers: ClinVar variation 4817522 (VCV004817522.1).

ClinVar aggregate classification (germline): Pathogenic (1 of 4 stars; one submission).

Conditions:
Fanconi anemia (FA). Also called: Fanconi's anemia. Identifiers: Orphanet 84, MedGen C0015625, MeSH D005199, MONDO:0019391.

Submission:

Natera, Inc.
Classification: Pathogenic for Fanconi anemia. Last evaluated: 2024-03-04. Review status: criteria provided, single submitter. Criteria: Natera Variant Classification Schema (03/2026). Collection method: clinical testing. Allele origin: germline.
Comment: The c.2602-7_2603delGTTTCAGTT variant in FANCA is an in-frame deletion. This variant is expected to result in nonsense mediated decay, truncation, or a dysfunctional protein product. This variant is rare in the general population with a frequency below the threshold expected for the associated phenotype(s). This variant has been observed in one or more individuals affected with the associated recessive disease, as either homozygous or compound heterozygous with a second variant (PMID: 15523645, 15523645, 28102861). Given the available evidence, this variant is classified as Pathogenic.

Literature cited by the submitters: PubMed 15523645; PubMed 28102861.